The following is an entry in ClinVar:

NM_001429.4(EP300):c.4418A>G (p.Lys1473Arg)

Gene: EP300 (EP300 lysine acetyltransferase; plus strand). Cytogenetic location: 22q13.2.
Variant type: single nucleotide variant.
Coding change: c.4418A>G on transcript NM_001429.4 (MANE Select); coding-DNA position 4418, A replaced by G.
Protein change: p.Lys1473Arg; replaces lysine 1473 with arginine.
Molecular consequence: missense variant.
Genome position (GRCh38, 1-based): chr22:41,170,537, A>G. VCF-style: chr22-41170537-A-G. GRCh37 (hg19) VCF-style: chr22-41566541-A-G.
Other names: c.4340A>G, p.Lys1447Arg (NM_001362843.2); short protein forms K1447R, K1473R.
Identifiers: ClinVar variation 4999093 (VCV004999093.1).

ClinVar aggregate classification (germline): Uncertain significance (1 of 4 stars; one submission).

Conditions:
EP300-related disorder. Also called: EP300-related condition; EP300-related disorders.

Submission:

PreventionGenetics, part of Exact Sciences
Classification: Uncertain significance for EP300-related condition. Last evaluated: 2024-12-23. Review status: criteria provided, single submitter. Criteria: ACMG Guidelines, 2015. Collection method: clinical testing. Allele origin: germline.
Comment: The EP300 c.4418A>G variant is predicted to result in the amino acid substitution p.Lys1473Arg. To our knowledge, this variant has not been reported in the literature or in a large population database (gnomAD), indicating this variant is rare. At this time, the clinical significance of this variant is uncertain due to the absence of conclusive functional and genetic evidence.